The following is an entry in ClinVar:

ClinVar aggregate classification (germline): Uncertain significance (1 of 4 stars; one submission).

gnomAD v4.1: 7 of 1,606,746 alleles (0.00044%); highest among the groups gnomAD compares: Non-Finnish European, 0.00042%; no homozygotes.

Submission:

Labcorp Genetics (formerly Invitae), Labcorp
Classification: Uncertain significance. Last evaluated: 2021-08-14. Review status: criteria provided, single submitter. Criteria: Invitae Variant Classification Sherloc (09022015). Collection method: clinical testing. Allele origin: germline.
Comment: This sequence change replaces glycine with alanine at codon 13 of the PIGB protein (p.Gly13Ala). The glycine residue is weakly conserved and there is a small physicochemical difference between glycine and alanine. This variant is not present in population databases (ExAC no frequency). This variant has not been reported in the literature in individuals affected with PIGB-related conditions. Algorithms developed to predict the effect of missense changes on protein structure and function output the following: SIFT: "Tolerated"; PolyPhen-2: "Benign"; Align-GVGD: "Class C0". The alanine amino acid residue is found in multiple mammalian species, which suggests that this missense change does not adversely affect protein function. In summary, the available evidence is currently insufficient to determine the role of this variant in disease. Therefore, it has been classified as a Variant of Uncertain Significance.

NM_004855.5(PIGB):c.38G>C (p.Gly13Ala)

Genes: PIGB (phosphatidylinositol glycan anchor biosynthesis class B; plus strand), LOC130057104 (ATAC-STARR-seq lymphoblastoid active region 9443; plus strand). Cytogenetic location: 15q21.3.
Variant type: single nucleotide variant.
Coding change: c.38G>C on transcript NM_004855.5 (MANE Select); coding-DNA position 38, G replaced by C.
Protein change: p.Gly13Ala; replaces glycine 13 with alanine.
Molecular consequence: missense variant.
Genome position (GRCh38, 1-based): chr15:55,319,288, G>C. VCF-style: chr15-55319288-G-C. GRCh37 (hg19) VCF-style: chr15-55611486-G-C.
Other names: short protein forms G13A.
Identifiers: ClinVar variation 1958436 (VCV001958436.2), dbSNP rs942714779, ClinGen allele CA392540872.